The following is an entry in ClinVar:

NM_021076.4(NEFH):c.2501A>G (p.Lys834Arg)

Gene: NEFH (neurofilament heavy chain; plus strand). Cytogenetic location: 22q12.2.
Variant type: single nucleotide variant.
Coding change: c.2501A>G on transcript NM_021076.4 (MANE Select); coding-DNA position 2501, A replaced by G.
Protein change: p.Lys834Arg; replaces lysine 834 with arginine.
Molecular consequence: missense variant.
Genome position (GRCh38, 1-based): chr22:29,490,141, A>G. VCF-style: chr22-29490141-A-G. GRCh37 (hg19) VCF-style: chr22-29886130-A-G.
Other names: short protein forms K834R.
Identifiers: ClinVar variation 2765756 (VCV002765756.3), dbSNP rs2517979117, ClinGen allele CA411137842.

ClinVar aggregate classification (germline): Uncertain significance (1 of 4 stars; one submission).

Submission:

Labcorp Genetics (formerly Invitae), Labcorp
Classification: Uncertain significance. Last evaluated: 2024-01-19. Review status: criteria provided, single submitter. Criteria: Invitae Variant Classification Sherloc (09022015). Collection method: clinical testing. Allele origin: germline.
Comment: This sequence change replaces lysine, which is basic and polar, with arginine, which is basic and polar, at codon 834 of the NEFH protein (p.Lys834Arg). This variant is not present in population databases (gnomAD no frequency). This variant has not been reported in the literature in individuals affected with NEFH-related conditions. Advanced modeling of protein sequence and biophysical properties (such as structural, functional, and spatial information, amino acid conservation, physicochemical variation, residue mobility, and thermodynamic stability) performed at Invitae indicates that this missense variant is not expected to disrupt NEFH protein function with a negative predictive value of 95%. In summary, the available evidence is currently insufficient to determine the role of this variant in disease. Therefore, it has been classified as a Variant of Uncertain Significance.